The following is an entry in ClinVar:

NM_000188.3(HK1):c.1839+5G>T

Gene: HK1 (hexokinase 1; plus strand). Cytogenetic location: 10q22.1.
Variant type: single nucleotide variant.
Coding change: c.1839+5G>T on transcript NM_000188.3 (MANE Select); 5 bases into the intron after coding-DNA position 1839, G replaced by T.
Molecular consequence: intron variant.
Genome position (GRCh38, 1-based): chr10:69,384,920, G>T. VCF-style: chr10-69384920-G-T. GRCh37 (hg19) VCF-style: chr10-71144676-G-T.
Other names: c.1803+5G>T (NM_033500.2); c.1944+5G>T (NM_001322365.2); c.1851+5G>T (NM_033498.3, NM_033497.3, NM_001322364.2 and 1 more transcripts); c.1836+5G>T (NM_033496.3); c.1755+5G>T (NM_001322366.1, NM_001441143.1); c.1125+5G>T (NM_001441152.1); c.831+5G>T (NM_001441153.1); c.1839+5G>T (NM_001441141.1, NM_001441148.1, NM_001441146.1); and 10 more.
Identifiers: ClinVar variation 4724560 (VCV004724560.1).

ClinVar aggregate classification (germline): Uncertain significance (1 of 4 stars; one submission).

Submission:

Labcorp Genetics (formerly Invitae), Labcorp
Classification: Uncertain significance. Last evaluated: 2025-09-24. Review status: criteria provided, single submitter. Criteria: Invitae Variant Classification Sherloc (09022015). Collection method: clinical testing. Allele origin: germline.
Comment: This sequence change falls in intron 12 of the HK1 gene. It does not directly change the encoded amino acid sequence of the HK1 protein. It affects a nucleotide within the consensus splice site. This variant is not present in population databases (gnomAD no frequency). This variant has not been reported in the literature in individuals affected with HK1-related conditions. Variants that disrupt the consensus splice site are a relatively common cause of aberrant splicing (PMID: 17576681, 9536098). Algorithms developed to predict the effect of sequence changes on RNA splicing suggest that this variant may disrupt the consensus splice site. In summary, the available evidence is currently insufficient to determine the role of this variant in disease. Therefore, it has been classified as a Variant of Uncertain Significance.

Literature cited by the submitters: PubMed 17576681; PubMed 9536098.